The following is an entry in ClinVar:

ClinVar aggregate classification (germline): Uncertain significance (1 of 4 stars; one submission).

Submission:

GeneDx
Classification: Uncertain significance. Last evaluated: 2023-07-10. Review status: criteria provided, single submitter. Criteria: GeneDx Variant Classification Process June 2021. Collection method: clinical testing. Allele origin: germline. Affected: yes.
Comment: Not observed in large population cohorts (gnomAD); Missense variant in a gene in which most reported pathogenic variants are truncating/loss-of-function; Has not been previously published as pathogenic or benign to our knowledge

NM_001267550.2(TTN):c.66462G>T (p.Gln22154His)

Genes: TTN (titin; minus strand), TTN-AS1 (TTN antisense RNA 1; plus strand). Cytogenetic location: 2q31.2.
Variant type: single nucleotide variant.
Coding change: c.66462G>T on transcript NM_001267550.2 (MANE Select); coding-DNA position 66462, G replaced by T.
Protein change: p.Gln22154His; replaces glutamine 22154 with histidine.
Molecular consequence: missense variant.
Genome position (GRCh38, 1-based): chr2:178,581,907, C>A on the plus strand (G>T on the coding strand, the complement: TTN is on the minus strand). VCF-style: chr2-178581907-C-A. GRCh37 (hg19) VCF-style: chr2-179446634-C-A.
Other names: c.61539G>T, p.Gln20513His (NM_001256850.1); c.39267G>T, p.Gln13089His (NM_003319.4); c.58758G>T, p.Gln19586His (NM_133378.4); c.39642G>T, p.Gln13214His (NM_133432.3); c.39843G>T, p.Gln13281His (NM_133437.4); short protein forms Q13089H, Q13214H, Q13281H, Q19586H, Q20513H, Q22154H.
Identifiers: ClinVar variation 2572754 (VCV002572754.1), dbSNP rs1204552364, ClinGen allele CA349429088.